The following is an entry in ClinVar:

NM_005902.4(SMAD3):c.263dup (p.Tyr88Ter)

Gene: SMAD3 (SMAD family member 3; plus strand). Cytogenetic location: 15q22.33.
Variant type: Duplication.
Coding change: c.263dup on transcript NM_005902.4 (MANE Select); coding-DNA position 263, one base duplicated (A; older notation c.263dupA).
Protein change: p.Tyr88Ter; replaces tyrosine 88 with a stop codon.
Molecular consequence: nonsense. On other transcripts: 5 prime UTR variant (1).
Genome position (GRCh38, 1-based): chr15:67,164,951, A duplicated. VCF-style (leftmost placement, unchanged base first): chr15-67164950-T-TA. GRCh37 (hg19) VCF-style: chr15-67457288-T-TA.
Other names: p.Y88*:TAC>TAA; c.-53dup (NM_001145102.2); c.131dup, p.Tyr44Ter (NM_001145103.2); short protein forms Y44*, Y88*.
Identifiers: ClinVar variation 213807 (VCV000213807.2), dbSNP rs863223770, ClinGen allele CA322123.

ClinVar aggregate classification (germline): Pathogenic (1 of 4 stars; one submission).

Submission:

GeneDx
Classification: Pathogenic. Last evaluated: 2014-10-16. Review status: criteria provided, single submitter. Criteria: GeneDx Variant Classification (06012015). Collection method: clinical testing. Allele origin: germline. Affected: yes.
Comment: The Y88X mutation in the SMAD3 gene has not been reported as a disease-causing mutation nor as a benign polymorphism to our knowledge. Y88X is predicted to cause loss of normal protein function either by protein truncation or nonsense-mediated mRNA decay. Other nonsense mutations in the SMAD3 gene have been reported in association with TAAD-related disorders. In summary, Y88X in the SMAD3 gene is interpreted as a disease-causing mutation.